The following is an entry in ClinVar:

NM_000548.5(TSC2):c.2546-2A>G

Gene: TSC2 (TSC complex subunit 2; plus strand). Cytogenetic location: 16p13.3.
Variant type: single nucleotide variant.
Coding change: c.2546-2A>G on transcript NM_000548.5 (MANE Select); the canonical splice acceptor site of the intron before coding-DNA position 2546, A replaced by G.
Molecular consequence: splice acceptor variant.
Genome position (GRCh38, 1-based): chr16:2,075,797, A>G. VCF-style: chr16-2075797-A-G. GRCh37 (hg19) VCF-style: chr16-2125798-A-G.
Other names: c.1946-2A>G (NM_001406686.1, NM_001406680.1, NM_001406683.1 and 6 more transcripts); c.2579-2A>G (NM_001318832.2); c.1202-2A>G (NM_001406693.1, NM_001406689.1, NM_001406690.1 and 6 more transcripts); c.2636-2A>G (NM_001406667.1, NM_001406668.1); c.944-2A>G (NM_001406698.1); c.2546-2A>G (NM_001114382.3, NM_001406663.1, NM_001406664.1 and 6 more transcripts); c.2534-2A>G (NM_001406671.1, NM_001406673.1); c.2084-2A>G (NM_001406681.1); and 3 more.
Identifiers: ClinVar variation 49780 (VCV000049780.14), dbSNP rs45517246, ClinGen allele CA017648.

ClinVar aggregate classification (germline): Pathogenic. Review status: criteria provided, multiple submitters, no conflicts (2 of 4 stars). 4 submissions from 4 submitters: Pathogenic (3). 1 of the submissions does not count toward it. Last evaluated 2021-11-07.

Conditions:
Tuberous sclerosis 2 (TSC2). Identifiers: Orphanet 805, MedGen C1860707, MONDO:0013199, OMIM 613254.
Tuberous sclerosis syndrome (TSC). Also called: Tuberous Sclerosis Complex; Tuberous sclerosis. Identifiers: Orphanet 805, MedGen C0041341, MONDO:0001734.

Submissions (4):

Genome-Nilou Lab
Classification: Pathogenic for Tuberous sclerosis 2. Last evaluated: 2021-11-07. Review status: criteria provided, single submitter. Criteria: ACMG Guidelines, 2015. Collection method: clinical testing. Allele origin: germline. Affected: no.

Labcorp Genetics (formerly Invitae), Labcorp
Classification: Pathogenic for Tuberous sclerosis 2. Last evaluated: 2020-12-22. Review status: criteria provided, single submitter. Criteria: Invitae Variant Classification Sherloc (09022015). Collection method: clinical testing. Allele origin: germline.
Comment: This variant is not present in population databases (ExAC no frequency). This sequence change affects an acceptor splice site in intron 22 of the TSC2 gene. It is expected to disrupt RNA splicing and likely results in an absent or disrupted protein product. Dirurption of this splice site has been observed in individual(s) with clinical features of tuberous sclerosis complex (PMID: 16981987, 29432982). ClinVar contains an entry for this variant (Variation ID: 49780). Algorithms developed to predict the effect of sequence changes on RNA splicing suggest that this variant may disrupt the consensus splice site, but this prediction has not been confirmed by published transcriptional studies. Donor and acceptor splice site variants typically lead to a loss of protein function (PMID: 16199547), and loss-of-function variants in TSC2 are known to be pathogenic (PMID: 10205261, 17304050). For these reasons, this variant has been classified as Pathogenic.

Eurofins Ntd Llc (ga)
Classification: Pathogenic. Last evaluated: 2014-10-27. Review status: criteria provided, single submitter. Criteria: EGL Classification Definitions 2015. Collection method: clinical testing. Allele origin: germline. Observed: 1 variant allele, 1 heterozygote.

Tuberous sclerosis database (TSC2)
No classification provided. Condition: TSC. Review status: no classification provided. Criteria: Tuberous Sclerosis Database Assertion Criteria 2015. Collection method: curation. Allele origin: germline. Affected: yes. Not counted in ClinVar's aggregate classification.

Literature cited by the submitters: PubMed 16981987 (cited by Labcorp Genetics (formerly Invitae), Labcorp); PubMed 29432982 (cited by Labcorp Genetics (formerly Invitae), Labcorp); PubMed 16199547 (cited by Labcorp Genetics (formerly Invitae), Labcorp); PubMed 10205261 (cited by Labcorp Genetics (formerly Invitae), Labcorp); PubMed 17304050 (cited by Labcorp Genetics (formerly Invitae), Labcorp).